The following is an entry in ClinVar:

NM_000540.3(RYR1):c.9499C>A (p.Arg3167=)

Gene: RYR1 (ryanodine receptor 1; plus strand). Cytogenetic location: 19q13.2.
Variant type: single nucleotide variant.
Coding change: c.9499C>A on transcript NM_000540.3 (MANE Select); coding-DNA position 9499, C replaced by A.
Protein change: p.Arg3167=; no amino-acid change (arginine 3167 retained).
Molecular consequence: synonymous variant.
Genome position (GRCh38, 1-based): chr19:38,515,052, C>A. VCF-style: chr19-38515052-C-A. GRCh37 (hg19) VCF-style: chr19-39005692-C-A.
Other names: c.9499C>A, p.Arg3167= (NM_001042723.2).
Identifiers: ClinVar variation 4758280 (VCV004758280.1).

ClinVar aggregate classification (germline): Uncertain significance (1 of 4 stars; one submission).

Conditions:
Malignant hyperthermia, susceptibility to, 1 (MHS1). Also called: RYR1-Related Malignant Hyperthermia Susceptibility; Malignant hyperthermia suceptibility 1; Anesthesia related hyperthermia; Malignant hyperpyrexia; Fulminating hyperpyrexia; Pharmacogenic myopathy. Identifiers: Orphanet 423, MedGen C2930980, MONDO:0007783, OMIM 145600.

gnomAD v4.1: 3 of 1,613,568 alleles (0.00019%); highest among the groups gnomAD compares: Admixed American, 0.0017%; no homozygotes.

Submission:

Color Diagnostics, LLC DBA Color Health
Classification: Uncertain significance for Malignant hyperthermia, susceptibility to, 1. Last evaluated: 2025-11-10. Review status: criteria provided, single submitter. Criteria: ACMG Guidelines, 2015. Collection method: clinical testing. Allele origin: germline.
Comment: This variant is located in the RYR1 protein. To our knowledge, functional studies have not been reported for this variant. This variant has not been reported in individuals affected with RYR1-related disorders in the literature. This variant has been identified in 3/1613568 chromosomes in the general population by the Genome Aggregation Database (gnomAD). The available evidence is insufficient to determine the role of this variant in disease conclusively. Therefore, this variant is classified as a Variant of Uncertain Significance.